The following is an entry in ClinVar:

NM_001165963.4(SCN1A):c.4002+2206T>A

Genes: SCN1A (sodium voltage-gated channel alpha subunit 1; minus strand), LOC102724058 (uncharacterized LOC102724058; plus strand). Cytogenetic location: 2q24.3.
Variant type: single nucleotide variant.
Coding change: c.4002+2206T>A on transcript NM_001165963.4 (MANE Select); 2206 bases into the intron after coding-DNA position 4002, T replaced by A.
Molecular consequence: intron variant.
Genome position (GRCh38, 1-based): chr2:166,007,513, A>T on the plus strand (T>A on the coding strand, the complement: SCN1A is on the minus strand). VCF-style: chr2-166007513-A-T. GRCh37 (hg19) VCF-style: chr2-166864023-A-T.
Other names: c.3969+2206T>A (NM_001353949.2, NM_001353950.2, NM_001353951.2 and 2 more transcripts); c.3918+2206T>A (NM_001353958.2, NM_001353957.2, NM_001165964.3); c.4002+2206T>A (NM_001202435.3, NM_001353948.2); c.3966+2206T>A (NM_001353955.2, NM_001353954.2); c.3915+2206T>A (NM_001353960.2); c.1560+2206T>A (NM_001353961.2).
Identifiers: ClinVar variation 1671687 (VCV001671687.9), dbSNP rs927311502, ClinGen allele CA59771645.

ClinVar aggregate classification (germline): Uncertain significance (1 of 4 stars; one submission).

Conditions:
Early-infantile DEE. Also called: Early infantile epileptic encephalopathy; Ohtahara syndrome; Early infantile epileptic encephalopathy with suppression bursts. Identifiers: Orphanet 1934, MedGen C0393706, MONDO:0800491.

gnomAD v4.1: 6 of 151,378 alleles (0.004%); highest among the groups gnomAD compares: Non-Finnish European, 0.0089%; no homozygotes.

Submission:

Labcorp Genetics (formerly Invitae), Labcorp
Classification: Uncertain significance for Early-infantile DEE. Last evaluated: 2024-05-15. Review status: criteria provided, single submitter. Criteria: Invitae Variant Classification Sherloc (09022015). Collection method: clinical testing. Allele origin: germline.
Comment: This sequence change falls in intron 20 of the SCN1A gene. It does not directly change the encoded amino acid sequence of the SCN1A protein. However, this sequence change falls within a region encompassing a cryptic exon in the SCN1A gene, in which variants have been shown to alter splicing (PMID: 30526861, 34107977). This variant is present in population databases (no rsID available, gnomAD 0.007%). This variant has not been reported in the literature in individuals affected with SCN1A-related conditions. ClinVar contains an entry for this variant (Variation ID: 1671687). Algorithms developed to predict the effect of sequence changes on RNA splicing suggest that this variant is not likely to affect RNA splicing. In summary, the available evidence is currently insufficient to determine the role of this variant in disease. Therefore, it has been classified as a Variant of Uncertain Significance.

Literature cited by the submitters: PubMed 30526861; PubMed 34107977.